The following is an entry in ClinVar:

ClinVar aggregate classification (germline): Benign. Review status: criteria provided, multiple submitters, no conflicts (2 of 4 stars). 7 submissions from 7 submitters: Benign (6). 1 of the submissions does not count toward it. Last evaluated 2026-02-04.

Conditions:
Systemic lupus erythematosus (SLE). Identifiers: Orphanet 536, MedGen C0024141, MONDO:0007915, OMIM 152700, HP:0002725.
Maturity-onset diabetes of the young type 11. Identifiers: Orphanet 552, MedGen C3150618, MONDO:0013242, OMIM 613375.

Allele frequency attached by ClinVar (database versions not stated): gnomAD exomes 0.00380; ExAC 0.00457; gnomAD 0.01564 and 0.01672; ESP Exome Variant Server 0.01615; TOPMed 0.01705; 1000 Genomes Project 0.01877; 1000 Genomes Project 30x 0.02046.
gnomAD v4.1: 4,613 of 1,614,046 alleles (0.29%); highest among the groups gnomAD compares: African/African-American, 5.5%; 122 homozygotes.

Submissions (7):

Labcorp Genetics (formerly Invitae), Labcorp
Classification: Benign. Last evaluated: 2026-02-04. Review status: criteria provided, single submitter. Criteria: Invitae Variant Classification Sherloc (09022015). Collection method: clinical testing. Allele origin: germline.

ARUP Laboratories, Molecular Genetics and Genomics, ARUP Laboratories
Classification: Benign for Maturity-onset diabetes of the young type 11. Last evaluated: 2023-10-11. Review status: criteria provided, single submitter. Criteria: ARUP Molecular Germline Variant Investigation Process 2024. Collection method: clinical testing. Allele origin: germline.

GeneDx
Classification: Benign. Last evaluated: 2019-12-31. Review status: criteria provided, single submitter. Criteria: GeneDx Variant Classification Process June 2021. Collection method: clinical testing. Allele origin: germline. Affected: yes.

Illumina Laboratory Services, Illumina
Classification: Benign for Maturity-onset diabetes of the young type 11. Last evaluated: 2018-01-12. Review status: criteria provided, single submitter. Criteria: ICSL Variant Classification Criteria 13 December 2019. Collection method: clinical testing. Allele origin: germline.
Comment: This variant was observed in the ICSL laboratory as part of a predisposition screen in an ostensibly healthy population. It had not been previously curated by ICSL or reported in the Human Gene Mutation Database (HGMD: prior to June 1st, 2018), and was therefore a candidate for classification through an automated scoring system. Utilizing variant allele frequency, disease prevalence and penetrance estimates, and inheritance mode, an automated score was calculated to assess if this variant is too frequent to cause the disease. Based on the score and internal cut-off values, a variant classified as benign is not then subjected to further curation. The score for this variant resulted in a classification of benign for this disease.

Breakthrough Genomics
Classification: Benign. Review status: criteria provided, single submitter. Criteria: ACMG Guidelines, 2015. Collection method: not provided. Allele origin: germline. Inheritance: Autosomal dominant inheritance. Affected: yes.

Clinical Genomics, Uppaluri K&H Personalized Medicine Clinic
Classification: Benign for Systemic lupus erythematosus. Review status: criteria provided, single submitter. Criteria: K & H Uppaluri Personalized Medicine Clinic Variant Classification & Assertion Criteria_Updated V.1. Collection method: research. Allele origin: unknown.
Comment: BLK gene is associated with Systemic lupus erythematosus, sjogren's syndrome and other systemic inflammatory conditions. However no sufficient evidence is found to ascertain the role of this particular variant rs7836533, yet.

Genetic Services Laboratory, University of Chicago
Classification: Likely benign for AllHighlyPenetrant. Review status: no assertion criteria provided. Collection method: clinical testing. Allele origin: germline. Inheritance: Autosomal dominant inheritance. Not counted in ClinVar's aggregate classification.
Comment: Likely benign based on allele frequency in 1000 Genomes Project or ESP global frequency and its presence in a patient with a rare or unrelated disease phenotype. NOT Sanger confirmed.

Literature cited by the submitters: PubMed 32313195 (cited by Clinical Genomics, Uppaluri K&H Personalized Medicine Clinic); PubMed 19667185 (cited by Clinical Genomics, Uppaluri K&H Personalized Medicine Clinic); PubMed 18204098 (cited by Clinical Genomics, Uppaluri K&H Personalized Medicine Clinic); PubMed 24023612 (cited by Clinical Genomics, Uppaluri K&H Personalized Medicine Clinic); PubMed 31670388 (cited by Clinical Genomics, Uppaluri K&H Personalized Medicine Clinic).

NM_001715.3(BLK):c.435C>T (p.Ala145=)

Genes: BLK (BLK proto-oncogene, Src family tyrosine kinase), LOC126860303 (CDK7 strongly-dependent group 2 enhancer GRCh37_chr8:11407118-11408317). Cytogenetic location: 8p23.1.
Variant type: single nucleotide variant.
Coding change: c.435C>T on transcript NM_001715.3 (MANE Select); coding-DNA position 435, C replaced by T.
Protein change: p.Ala145=; no amino-acid change (alanine 145 retained).
Molecular consequence: synonymous variant.
Genome position (GRCh38, 1-based): chr8:11,550,225, C>T. VCF-style: chr8-11550225-C-T. GRCh37 (hg19) VCF-style: chr8-11407734-C-T.
Other names: c.222C>T, p.Ala74= (NM_001330465.2).
Identifiers: ClinVar variation 128528 (VCV000128528.27), dbSNP rs7836533, ClinGen allele CA152043.